The following is an entry in ClinVar:

ClinVar aggregate classification (germline): Conflicting classifications of pathogenicity. Review status: criteria provided, conflicting classifications (1 of 4 stars). 11 submissions from 11 submitters: Uncertain significance (3); Benign (1); Likely benign (6). 1 of the submissions does not count toward it. Last evaluated 2026-09-01.

Conditions:
PLEC-related disorder. Also called: PLEC-related condition; PLEC-related disorders.
Inborn genetic diseases. Identifiers: MedGen C0950123, MeSH D030342.
Epidermolysis bullosa simplex 5B, with muscular dystrophy (EBS5B). Also called: Epidermolysis bullosa simplex with muscular dystrophy; EPIDERMOLYSIS BULLOSA SIMPLEX AND LIMB-GIRDLE MUSCULAR DYSTROPHY. Identifiers: Orphanet 257, MedGen C2931072, MONDO:0009181, OMIM 226670.
Epidermolysis bullosa simplex with nail dystrophy (EBS5D). Identifiers: MedGen C4225309, MONDO:0014661, OMIM 616487.
Autosomal recessive limb-girdle muscular dystrophy type 2Q (LGMDR17). Also called: MUSCULAR DYSTROPHY, LIMB-GIRDLE, AUTOSOMAL RECESSIVE 17. Identifiers: Orphanet 254361, MedGen C3150989, MONDO:0013390, OMIM 613723.
Epidermolysis bullosa simplex 5C, with pyloric atresia (EBS5C). Also called: PLEC-Related Epidermolysis Bullosa with Pyloric Atresia; PLEC1-Related Epidermolysis Bullosa with Pyloric Atresia; Epidermolysis bullosa simplex with pyloric atresia. Identifiers: Orphanet 158684, MedGen C2677349, MONDO:0012807, OMIM 612138.
Epidermolysis bullosa simplex, Ogna type (EBS5A). Also called: Pidermolysis bullosa simplex 5A, Ogna type; EPIDERMOLYSIS BULLOSA SIMPLEX 5A, OGNA TYPE. Identifiers: Orphanet 79401, MedGen C0432317, MONDO:0007555, OMIM 131950.

Allele frequency attached by ClinVar (database versions not stated): TOPMed 0.00064; gnomAD 0.00072 and 0.00086; ESP Exome Variant Server 0.00073; 1000 Genomes Project 0.00100; 1000 Genomes Project 30x 0.00109.
gnomAD v4.1: 1,842 of 1,612,180 alleles (0.11%); highest among the groups gnomAD compares: Middle Eastern, 0.48%; 6 homozygotes.

Submissions (11):

CeGaT Center for Human Genetics Tuebingen
Classification: Likely benign. Last evaluated: 2026-09-01. Review status: criteria provided, single submitter. Criteria: CeGaT Center For Human Genetics Tuebingen Variant Classification Criteria Version 2. Collection method: clinical testing. Allele origin: germline. Affected: yes. Observed: 5 variant alleles.
Comment: PLEC: BS2

Labcorp Genetics (formerly Invitae), Labcorp
Classification: Benign for Autosomal recessive limb-girdle muscular dystrophy type 2Q; Epidermolysis bullosa simplex, Ogna type; Epidermolysis bullosa simplex with nail dystrophy; Epidermolysis bullosa simplex 5C, with pyloric atresia; Epidermolysis bullosa simplex 5B, with muscular dystrophy. Last evaluated: 2026-01-02. Review status: criteria provided, single submitter. Criteria: Invitae Variant Classification Sherloc (09022015). Collection method: clinical testing. Allele origin: germline.

Athena Diagnostics
Classification: Likely benign. Last evaluated: 2025-06-18. Review status: criteria provided, single submitter. Criteria: Athena Diagnostics Criteria. Collection method: clinical testing. Allele origin: unknown.
Comment: The frequency of this variant in the general population is higher than would generally be expected for pathogenic variants in this gene.

Blueprint Genetics
Classification: Likely benign. Last evaluated: 2024-11-23. Review status: criteria provided, single submitter. Criteria: ACMG Guidelines, 2015. Collection method: clinical testing. Allele origin: germline.

Mayo Clinic Laboratories, Mayo Clinic
Classification: Uncertain significance. Last evaluated: 2024-02-16. Review status: criteria provided, single submitter. Criteria: ACMG Guidelines, 2015. Collection method: clinical testing. Allele origin: germline. Observed: 1 variant allele.
Comment: BS1

Ambry Genetics
Classification: Uncertain significance for Inborn genetic diseases. Last evaluated: 2021-08-06. Review status: criteria provided, single submitter. Criteria: Ambry Variant Classification Scheme 2023. Collection method: clinical testing. Allele origin: germline.

GeneDx
Classification: Likely benign. Last evaluated: 2019-12-10. Review status: criteria provided, single submitter. Criteria: GeneDx Variant Classification Process June 2021. Collection method: clinical testing. Allele origin: germline. Affected: yes.

Genetic Services Laboratory, University of Chicago
Classification: Uncertain significance. Last evaluated: 2016-12-20. Review status: criteria provided, single submitter. Criteria: ACMG Guidelines, 2015. Collection method: clinical testing. Allele origin: germline. Affected: no.

Laboratory for Molecular Medicine, Mass General Brigham Personalized Medicine
Classification: Likely benign. Last evaluated: 2016-12-14. Review status: criteria provided, single submitter. Criteria: LMM Criteria. Collection method: clinical testing. Allele origin: germline. Observed: 1 variant allele.
Comment: p.Ser523Arg in exon 11 of PLEC: This variant is not expected to have clinical si gnificance because it is not located within the splice consensus sequence. It ha s been identified in 0.4% (71/16504) of South Asian chromosomes by the Exome Agg regation Consortium (ExAC; dbSNP rs201667254).

Eurofins Ntd Llc (ga)
Classification: Likely benign. Last evaluated: 2016-06-14. Review status: criteria provided, single submitter. Criteria: EGL Classification Definitions 2015. Collection method: clinical testing. Allele origin: germline. Observed: 3 variant alleles, 3 heterozygotes.

PreventionGenetics, part of Exact Sciences
Classification: Likely benign for PLEC-related condition. Last evaluated: 2020-06-10. Review status: no assertion criteria provided. Collection method: clinical testing. Allele origin: germline. Not counted in ClinVar's aggregate classification.
Comment: This variant is classified as likely benign based on ACMG/AMP sequence variant interpretation guidelines (Richards et al. 2015 PMID: 25741868, with internal and published modifications).

Literature cited by the submitters: PubMed 30161220 (cited by Athena Diagnostics).

NM_201384.3(PLEC):c.1158C>G (p.Ser386Arg)

Gene: PLEC (plectin; minus strand). Cytogenetic location: 8q24.3.
Variant type: single nucleotide variant.
Coding change: c.1158C>G on transcript NM_201384.3 (MANE Select); coding-DNA position 1158, C replaced by G.
Protein change: p.Ser386Arg; replaces serine 386 with arginine.
Molecular consequence: missense variant.
Genome position (GRCh38, 1-based): chr8:143,934,329, G>C on the plus strand (C>G on the coding strand, the complement: PLEC is on the minus strand). VCF-style: chr8-143934329-G-C. GRCh37 (hg19) VCF-style: chr8-145008497-G-C.
Other names: p.Ser413Arg; c.1239C>G, p.Ser413Arg (NM_000445.5); c.1116C>G, p.Ser372Arg (NM_201378.4); c.1092C>G, p.Ser364Arg (NM_201379.3); c.1569C>G, p.Ser523Arg (NM_201380.4); c.1062C>G, p.Ser354Arg (NM_201381.3); c.1158C>G, p.Ser386Arg (NM_201382.4); c.1170C>G, p.Ser390Arg (NM_201383.3); short protein forms S354R, S364R, S372R, S386R, S390R, S413R, S523R.
Identifiers: ClinVar variation 193994 (VCV000193994.62), dbSNP rs201667254, ClinGen allele CA239757.